The following is an entry in ClinVar:

NM_152490.5(B3GALNT2):c.22C>G (p.Leu8Val)

Gene: B3GALNT2 (beta-1,3-N-acetylgalactosaminyltransferase 2; minus strand). Cytogenetic location: 1q42.3.
Variant type: single nucleotide variant.
Coding change: c.22C>G on transcript NM_152490.5 (MANE Select); coding-DNA position 22, C replaced by G.
Protein change: p.Leu8Val; replaces leucine 8 with valine.
Molecular consequence: missense variant.
Genome position (GRCh38, 1-based): chr1:235,504,231, G>C on the plus strand (C>G on the coding strand, the complement: B3GALNT2 is on the minus strand). VCF-style: chr1-235504231-G-C. GRCh37 (hg19) VCF-style: chr1-235667531-G-C.
Other names: c.22C>G, p.Leu8Val (NM_001277155.3); c.22C>G (NM_152490.2); short protein forms L8V.
Identifiers: ClinVar variation 1056789 (VCV001056789.4), dbSNP rs1685731091, ClinGen allele CA344937638.
Genomic context (GRCh38, chr1:235,504,231, plus strand): 5'-GCGGCGGGGAGCGCAGCCGCAGCCAGAGGTGCAGCGCGGCCCCGAGCACACACGGGCACA[G>C]CAGCACCAGCCAGTTTCGCATTGGCCGCCCCCGCCGCGAGCCGGGCTCTCCCGCGTCCCG-3'
Protein context (NP_689703.1, residues 1-18): MRNWLVL[Leu8Val]CPCVLGAALH

ClinVar aggregate classification (germline): Uncertain significance. Review status: criteria provided, multiple submitters, no conflicts (2 of 4 stars). 2 submissions from 2 submitters: Uncertain significance (2). Last evaluated 2022-06-29.

Conditions:
Muscular dystrophy-dystroglycanopathy (congenital with brain and eye anomalies), type a, 11 (MDDGA11). Also called: WALKER-WARBURG SYNDROME OR MUSCLE-EYE-BRAIN DISEASE, B3GALNT2-RELATED; Congenital muscular dystrophy-dystroglycanopathy with brain and eye anomalies, type A11; Muscular dystrophy-dystroglycanopathy (congenital with brain and eye anomalies, type A, 11. Identifiers: Orphanet 588, Orphanet 899, MedGen C3554638, MONDO:0014071, OMIM 615181.
Inborn genetic diseases. Identifiers: MedGen C0950123, MeSH D030342.

Allele frequency attached by ClinVar (database versions not stated): TOPMed below 0.00001.
gnomAD v4.1: 1 of 1,483,256 alleles (0.000067%); highest among the groups gnomAD compares: Middle Eastern, 0.023%; no homozygotes.

Submissions (2):

Ambry Genetics
Classification: Uncertain significance for Inborn genetic diseases. Last evaluated: 2022-06-29. Review status: criteria provided, single submitter. Criteria: Ambry Variant Classification Scheme 2023. Collection method: clinical testing. Allele origin: germline.

Labcorp Genetics (formerly Invitae), Labcorp
Classification: Uncertain significance for Muscular dystrophy-dystroglycanopathy (congenital with brain and eye anomalies), type a, 11. Last evaluated: 2021-09-01. Review status: criteria provided, single submitter. Criteria: Invitae Variant Classification Sherloc (09022015). Collection method: clinical testing. Allele origin: germline.
Comment: This sequence change replaces leucine with valine at codon 8 of the B3GALNT2 protein (p.Leu8Val). The leucine residue is moderately conserved and there is a small physicochemical difference between leucine and valine. The frequency data for this variant in the population databases is considered unreliable, as metrics indicate insufficient coverage at this position in the ExAC database. This variant has not been reported in the literature in individuals affected with B3GALNT2-related conditions. Algorithms developed to predict the effect of missense changes on protein structure and function are either unavailable or do not agree on the potential impact of this missense change (SIFT: "Tolerated"; PolyPhen-2: "Probably Damaging"; Align-GVGD: "Class C0"). Algorithms developed to predict the effect of sequence changes on RNA splicing suggest that this variant may create or strengthen a splice site. In summary, the available evidence is currently insufficient to determine the role of this variant in disease. Therefore, it has been classified as a Variant of Uncertain Significance.